The following is an entry in ClinVar:

ClinVar aggregate classification (germline): Pathogenic/Likely pathogenic. Review status: criteria provided, multiple submitters, no conflicts (2 of 4 stars). 6 submissions from 6 submitters: Pathogenic (4); Likely pathogenic (2). Last evaluated 2025-11-27.

Conditions:
Cone-rod dystrophy 3 (CORD3). Identifiers: Orphanet 1872, MedGen C1858806, MONDO:0011395, OMIM 604116.
Age related macular degeneration 2. Also called: MACULOPATHY, AGE-RELATED; MACULAR DEGENERATION, SENILE; MACULOPATHY, AGE-RELATED, 2. Identifiers: MedGen C3495438, MONDO:0007932, OMIM 153800.
Severe early-childhood-onset retinal dystrophy (STGD1). Also called: STGD; Stargardt macular dystrophy; Juvenile onset macular degeneration; Stargardt disease 1; MACULAR DYSTROPHY WITH FLECKS, TYPE 1. Identifiers: Orphanet 364055, Orphanet 827, MedGen C1855465, MeSH D000080362, MONDO:0009549, OMIM 248200.
Retinitis pigmentosa 19 (RP19). Also called: ABCA4-Related Retinitis Pigmentosa. Identifiers: Orphanet 791, MedGen C1866422, MONDO:0011137, OMIM 601718.
Stargardt disease (FFM). Also called: Stargardt's disease; Fundus flavimaculatus. Identifiers: Orphanet 827, MedGen C0271093, MONDO:0019353.
ABCA4-related disorder. Also called: ABCA4-related disorders; ABCA4-related condition. Identifiers: MedGen CN239167.
Retinal dystrophy. Also called: Inherited retinal dystrophy. Identifiers: Orphanet 71862, MedGen C0854723, MeSH D058499, MONDO:0019118, HP:0000556.

gnomAD v4.1: 3 of 1,614,076 alleles (0.00019%); highest among the groups gnomAD compares: East Asian, 0.0067%; no homozygotes.

Submissions (6):

Labcorp Genetics (formerly Invitae), Labcorp
Classification: Pathogenic. Last evaluated: 2025-11-27. Review status: criteria provided, single submitter. Criteria: Invitae Variant Classification Sherloc (09022015). Collection method: clinical testing. Allele origin: germline.
Comment: This sequence change replaces aspartic acid, which is acidic and polar, with tyrosine, which is neutral and polar, at codon 1102 of the ABCA4 protein (p.Asp1102Tyr). This variant is present in population databases (rs138641544, gnomAD 0.03%). This missense change has been observed in individual(s) with Stargardt disease (PMID: 22427542; internal data). ClinVar contains an entry for this variant (Variation ID: 1456034). Invitae Evidence Modeling of protein sequence and biophysical properties (such as structural, functional, and spatial information, amino acid conservation, physicochemical variation, residue mobility, and thermodynamic stability) indicates that this missense variant is expected to disrupt ABCA4 protein function with a positive predictive value of 95%. For these reasons, this variant has been classified as Pathogenic.

Blueprint Genetics
Classification: Pathogenic for ABCA4-related disorders. Last evaluated: 2024-10-04. Review status: criteria provided, single submitter. Criteria: ACMG Guidelines, 2015. Collection method: clinical testing. Allele origin: germline. Affected: yes. Observed: 2 variant alleles.

3billion
Classification: Likely pathogenic for Retinitis pigmentosa 19. Last evaluated: 2024-07-03. Review status: criteria provided, single submitter. Criteria: ACMG Guidelines, 2015. Collection method: clinical testing. Allele origin: germline. Affected: yes.
Comment: The variant is observed at an extremely low frequency in the gnomAD v4.0.0 dataset (total allele frequency: <0.001%). Predicted Consequence/Location: The variant is located in a mutational hot spot and/or well-established functional domain in which established pathogenic variants have been reported. In silico tool predictions suggest damaging effect of the variant on gene or gene product [REVEL: 0.97 (>=0.6, sensitivity 0.68 and specificity 0.92); 3Cnet: 0.99 (>=0.6, sensitivity 0.72 and precision 0.9)]. The same nucleotide change resulting in the same amino acid change has been previously reported to be associated with ABCA4 related disorder (ClinVar ID: VCV001456034 /PMID: 22427542).A different missense change at the same codon (p.Asp1102Asn, p.Asp1102Gly, p.Asp1102Val) has been reported as pathogenic/likely pathogenic with strong evidence (ClinVar ID: VCV000069298, VCV000938220, VCV001046290 /PMID: 20029649). Therefore, this variant is classified as Likely pathogenic according to the recommendation of ACMG/AMP guideline.

Fulgent Genetics
Classification: Pathogenic for Age related macular degeneration 2; Severe early-childhood-onset retinal dystrophy; Retinitis pigmentosa 19; Cone-rod dystrophy 3. Last evaluated: 2024-04-03. Review status: criteria provided, single submitter. Criteria: ACMG Guidelines, 2015. Collection method: clinical testing. Allele origin: germline.

Women's Health and Genetics/Laboratory Corporation of America, LabCorp
Classification: Pathogenic for Stargardt disease. Last evaluated: 2024-04-01. Review status: criteria provided, single submitter. Criteria: LabCorp Variant Classification Summary - May 2015. Collection method: clinical testing. Allele origin: germline.
Comment: Variant summary: ABCA4 c.3304G>T (p.Asp1102Tyr) results in a non-conservative amino acid change located in the ABC transporter-like, ATP-binding domain (IPR003439) of the encoded protein sequence. Five of five in-silico tools predict a damaging effect of the variant on protein function. The variant allele was found at a frequency of 1.6e-05 in 251412 control chromosomes (gnomAD). c.3304G>T has been reported in the literature in multiple individuals affected with Stargardt Disease (e.g. Fritsche_2012, Hu_2019, Khan_2020, Tian_2024). These data indicate that the variant is very likely to be associated with disease. The following publications have been ascertained in the context of this evaluation (PMID: 22427542, 31543898, 32307445, 37774808). ClinVar contains an entry for this variant (Variation ID: 1456034). Based on the evidence outlined above, the variant was classified as pathogenic.

Institute of Human Genetics, Univ. Regensburg, Univ. Regensburg
Classification: Likely pathogenic for Retinal dystrophy. Last evaluated: 2015-01-01. Review status: criteria provided, single submitter. Criteria: ACMG Guidelines, 2015. Collection method: clinical testing. Allele origin: germline. Affected: yes.

Literature cited by the submitters: PubMed 22427542 (cited by 4 submitters); PubMed 20029649 (cited by 3billion); PubMed 32307445 (cited by Women's Health and Genetics/Laboratory Corporation of America, LabCorp and Institute of Human Genetics, Univ. Regensburg, Univ. Regensburg); PubMed 31543898 (cited by Women's Health and Genetics/Laboratory Corporation of America, LabCorp); PubMed 37774808 (cited by Women's Health and Genetics/Laboratory Corporation of America, LabCorp); PubMed 31964843 (cited by Institute of Human Genetics, Univ. Regensburg, Univ. Regensburg).

NM_000350.3(ABCA4):c.3304G>T (p.Asp1102Tyr)

Gene: ABCA4 (ATP binding cassette subfamily A member 4; minus strand). Cytogenetic location: 1p22.1.
Variant type: single nucleotide variant.
Coding change: c.3304G>T on transcript NM_000350.3 (MANE Select); coding-DNA position 3304, G replaced by T.
Protein change: p.Asp1102Tyr; replaces aspartic acid 1102 with tyrosine.
Molecular consequence: missense variant.
Genome position (GRCh38, 1-based): chr1:94,042,785, C>A on the plus strand (G>T on the coding strand, the complement: ABCA4 is on the minus strand). VCF-style: chr1-94042785-C-A. GRCh37 (hg19) VCF-style: chr1-94508341-C-A.
Other names: c.3082G>T, p.Asp1028Tyr (NM_001425324.1); c.3304G>T (NM_000350.2); short protein forms D1102Y, D1028Y.
Identifiers: ClinVar variation 1456034 (VCV001456034.13), dbSNP rs138641544, ClinGen allele CA957987.